The following is an entry in ClinVar:

ClinVar aggregate classification (germline): Benign/Likely benign. Review status: criteria provided, multiple submitters, no conflicts (2 of 4 stars). 10 submissions from 10 submitters: Benign (6); Likely benign (1). 3 of the submissions do not count toward it. Last evaluated 2026-02-03.

Conditions:
Noonan syndrome 1 (NS1). Also called: FEMALE PSEUDO-TURNER SYNDROME; TURNER PHENOTYPE WITH NORMAL KARYOTYPE; PTPN11-Related Noonan Syndrome. Identifiers: Orphanet 648, MedGen C4551602, MONDO:0008104, OMIM 163950. Disease mechanism: gain of function.
Colorectal cancer. Also called: Colorectal cancer, somatic; Malignant Colorectal Neoplasm. Identifiers: MedGen C0346629, MONDO:0005575, OMIM 114500.
Cardiofaciocutaneous syndrome 1 (CFC1). Also called: BRAF-Related Cardiofaciocutaneous Syndrome. Identifiers: Orphanet 1340, MedGen CN029449, MONDO:0007265, OMIM 115150. Disease mechanism: gain of function.
LEOPARD syndrome 3 (LPRD3). Identifiers: Orphanet 500, MedGen C3150971, MONDO:0013380, OMIM 613707.
Noonan syndrome 7 (NS7). Also called: BRAF-Related Noonan Syndrome. Identifiers: Orphanet 648, MedGen C3150970, MONDO:0013379, OMIM 613706.
Melanoma, cutaneous malignant, susceptibility to, 1 (CMM1). Also called: MELANOMA, MALIGNANT; B-K MOLE SYNDROME; DYSPLASTIC NEVUS SYNDROME, HEREDITARY; FAMILIAL ATYPICAL MOLE-MALIGNANT MELANOMA SYNDROME. Identifiers: Orphanet 618, MedGen C1835047, MONDO:0007963, OMIM 155600.
Lung cancer. Also called: Lung cancer, somatic; Malignant tumor of lung. Identifiers: MedGen C0242379, MONDO:0008903, OMIM 211980.
RASopathy. Also called: rasopathies; Noonan spectrum disorder. Identifiers: Orphanet 536391, MedGen C5555857, MONDO:0021060.

Allele frequency attached by ClinVar (database versions not stated): gnomAD exomes 0.00077 and 0.00200; ExAC 0.00225; gnomAD 0.00771 and 0.00840; ESP Exome Variant Server 0.00869; 1000 Genomes Project 0.00938; TOPMed 0.00961; 1000 Genomes Project 30x 0.01015.
gnomAD v4.1: 2,350 of 1,603,110 alleles (0.15%); highest among the groups gnomAD compares: African/African-American, 2.8%; 30 homozygotes.

Submissions (10):

Labcorp Genetics (formerly Invitae), Labcorp
Classification: Benign for RASopathy. Last evaluated: 2026-02-03. Review status: criteria provided, single submitter. Criteria: Invitae Variant Classification Sherloc (09022015). Collection method: clinical testing. Allele origin: germline.

ARUP Laboratories, Molecular Genetics and Genomics, ARUP Laboratories
Classification: Benign. Last evaluated: 2025-06-02. Review status: criteria provided, single submitter. Criteria: ARUP Molecular Germline Variant Investigation Process 2024. Collection method: clinical testing. Allele origin: germline.

Blueprint Genetics
Classification: Likely benign. Last evaluated: 2024-11-06. Review status: criteria provided, single submitter. Criteria: ACMG Guidelines, 2015. Collection method: clinical testing. Allele origin: germline.

Fulgent Genetics
Classification: Benign for Colorectal cancer; Cardiofaciocutaneous syndrome 1; Melanoma, cutaneous malignant, susceptibility to, 1; Noonan syndrome 1; Lung cancer; Noonan syndrome 7; LEOPARD syndrome 3. Last evaluated: 2021-09-27. Review status: criteria provided, single submitter. Criteria: ACMG Guidelines, 2015. Collection method: clinical testing. Allele origin: unknown.

Women's Health and Genetics/Laboratory Corporation of America, LabCorp
Classification: Benign. Last evaluated: 2019-11-18. Review status: criteria provided, single submitter. Criteria: LabCorp Variant Classification Summary - May 2015. Collection method: clinical testing. Allele origin: germline.
Comment: Variant summary: BRAF c.1315-18T>G alters a nucleotide located close to a canonical splice site and therefore could affect mRNA splicing, leading to a significantly altered protein sequence. 4/5 computational tools predict no significant impact on normal splicing. However, these predictions have yet to be confirmed by functional studies. The variant allele was found at a frequency of 0.002 in 251252 control chromosomes, predominantly at a frequency of 0.028 within the African or African-American subpopulation in the gnomAD database, including 4 homozygotes. The observed variant frequency within African or African-American control individuals in the gnomAD database is approximately 11200-fold of the estimated maximal expected allele frequency for a pathogenic variant in BRAF causing Noonan Syndrome and Related Conditions phenotype (2.5e-06), strongly suggesting that the variant is a benign polymorphism found primarily in populations of African or African-American origin. To our knowledge, no occurrence of c.1315-18T>G in individuals affected with Noonan Syndrome and Related Conditions and no experimental evidence demonstrating its impact on protein function have been reported. One clinical diagnostic laboratory has submitted clinical-significance assessments for this variant to ClinVar after 2014 without evidence for independent evaluation and classified the variant as benign. Based on the evidence outlined above, the variant was classified as benign.

GeneDx
Classification: Benign. Last evaluated: 2012-12-11. Review status: criteria provided, single submitter. Criteria: GeneDx Variant Classification (06012015). Collection method: clinical testing. Allele origin: germline. Affected: yes.
Comment: This variant is considered likely benign or benign based on one or more of the following criteria: it is a conservative change, it occurs at a poorly conserved position in the protein, it is predicted to be benign by multiple in silico algorithms, and/or has population frequency not consistent with disease.

PreventionGenetics, part of Exact Sciences
Classification: Benign. Review status: criteria provided, single submitter. Criteria: ACMG Guidelines, 2015. Collection method: clinical testing. Allele origin: germline.

Greenwood Genetic Center Diagnostic Laboratories, Greenwood Genetic Center
Classification: Benign. Last evaluated: 2015-01-15. Review status: no assertion criteria provided. Collection method: clinical testing. Allele origin: germline. Not counted in ClinVar's aggregate classification.

Clinical Genetics, Academic Medical Center
Classification: Benign. Review status: no assertion criteria provided. Collection method: clinical testing. Allele origin: germline. Affected: yes. Study: VKGL Data-share Consensus. Not counted in ClinVar's aggregate classification.

Joint Genome Diagnostic Labs from Nijmegen and Maastricht, Radboudumc and MUMC+
Classification: Benign. Review status: no assertion criteria provided. Collection method: clinical testing. Allele origin: germline. Affected: yes. Study: VKGL Data-share Consensus. Not counted in ClinVar's aggregate classification.

Literature cited by the submitters: PubMed 24920063 (cited by Women's Health and Genetics/Laboratory Corporation of America, LabCorp).

NM_004333.6(BRAF):c.1315-18T>G

Gene: BRAF (B-Raf proto-oncogene, serine/threonine kinase; minus strand). Cytogenetic location: 7q34.
Variant type: single nucleotide variant.
Coding change: c.1315-18T>G on transcript NM_004333.6 (MANE Select); 18 bases into the intron before coding-DNA position 1315, T replaced by G.
Molecular consequence: intron variant.
Genome position (GRCh38, 1-based): chr7:140,781,711, A>C on the plus strand (T>G on the coding strand, the complement: BRAF is on the minus strand). VCF-style: chr7-140781711-A-C. GRCh37 (hg19) VCF-style: chr7-140481511-A-C.
Other names: c.1315-18T>G (NM_001378474.1, NM_001378468.1, NM_001354609.2); c.1213-18T>G (NM_001378470.1); c.1051-18T>G (NM_001378475.1); c.1204-18T>G (NM_001378471.1); c.1435-18T>G (NM_001374258.1, NM_001374244.1); c.1324-18T>G (NM_001378467.1); c.1159-18T>G (NM_001378472.1, NM_001378473.1); c.1249-18T>G (NM_001378469.1).
Identifiers: ClinVar variation 40361 (VCV000040361.20), dbSNP rs6959000, ClinGen allele CA185957.
Genomic context (GRCh38, chr7:140,781,711, plus strand): 5'-GAATCTCCCAATCATCACTCGAGTCCCGTCTACCAAGTGTTTTCTTGATAAAAACAGTAA[A>C]AAAGTCAAGTCAAGCCAAACAGAAAAAGAAAACCTTATGTTTCACCCTAAGTACATTACC-3'